The following is an entry in ClinVar:

NM_000937.5(POLR2A):c.4604T>C (p.Val1535Ala)

Gene: POLR2A (RNA polymerase II subunit A; plus strand). Cytogenetic location: 17p13.1.
Variant type: single nucleotide variant.
Coding change: c.4604T>C on transcript NM_000937.5 (MANE Select); coding-DNA position 4604, T replaced by C.
Protein change: p.Val1535Ala; replaces valine 1535 with alanine.
Molecular consequence: missense variant.
Genome position (GRCh38, 1-based): chr17:7,512,588, T>C. VCF-style: chr17-7512588-T-C. GRCh37 (hg19) VCF-style: chr17-7415907-T-C.
Other names: short protein forms V1535A.
Identifiers: ClinVar variation 3343528 (VCV003343528.1).
Genomic context (GRCh38, chr17:7,512,588, plus strand): 5'-CTGCCATGACACCTTGGAACCAGGGTGCAACCCCTGCCTATGGCGCCTGGTCCCCCAGTG[T>C]TGGTGAGTAACCTGATCCAGGAAGAGGGCCCTCCAGGTGGTTCAGAGGTGGATAAGCTGG-3'
Protein context (NP_000928.1, residues 1525-1545): TPAYGAWSPS[Val1535Ala]GSGMTPGAAG

ClinVar aggregate classification (germline): Uncertain significance (1 of 4 stars; one submission).

Submission:

GeneDx
Classification: Uncertain significance. Last evaluated: 2023-05-18. Review status: criteria provided, single submitter. Criteria: GeneDx Variant Classification Process June 2021. Collection method: clinical testing. Allele origin: germline. Affected: yes.
Comment: Not observed at significant frequency in large population cohorts (gnomAD); In silico analysis supports that this missense variant has a deleterious effect on protein structure/function; Has not been previously published as pathogenic or benign to our knowledge